The following is an entry in ClinVar:

ClinVar aggregate classification (germline): Uncertain significance (1 of 4 stars; one submission).

Conditions:
GNAS-related disorder. Identifiers: MedGen CN380105.

Submission:

PreventionGenetics, part of Exact Sciences
Classification: Uncertain significance for GNAS-related condition. Last evaluated: 2025-05-09. Review status: criteria provided, single submitter. Criteria: ACMG Guidelines, 2015. Collection method: clinical testing. Allele origin: germline.
Comment: The GNAS c.313G>C variant is predicted to result in the amino acid substitution p.Glu105Gln. To our knowledge, this variant has not been reported in the literature or in a large population database, indicating this variant is rare. At this time, the clinical significance of this variant is uncertain due to the absence of conclusive functional and genetic evidence.

NM_080425.4(GNAS):c.313G>C (p.Glu105Gln)

Gene: GNAS (GNAS complex locus; plus strand). Cytogenetic location: 20q13.32.
Variant type: single nucleotide variant.
Coding change: c.313G>C on transcript NM_080425.4 (MANE Plus Clinical); coding-DNA position 313, G replaced by C.
Protein change: p.Glu105Gln; replaces glutamic acid 105 with glutamine.
Molecular consequence: missense variant. On other transcripts: synonymous variant (2), intron variant (3).
Genome position (GRCh38, 1-based): chr20:58,853,578, G>C. VCF-style: chr20-58853578-G-C. GRCh37 (hg19) VCF-style: chr20-57428633-G-C.
Other names: c.126G>C, p.Ser42= (NM_001077490.3, NM_001309883.1); c.313G>C, p.Glu105Gln (NM_001410913.1); c.*42+12692G>C (NM_016592.5); c.43+12692G>C (NM_001410912.1); c.-39+11703G>C (NM_001309861.2); short protein forms E105Q.
Identifiers: ClinVar variation 4986750 (VCV004986750.1).